The following is an entry in ClinVar:

NM_002907.4(RECQL):c.169G>T (p.Ala57Ser)

Gene: RECQL (RecQ like helicase; minus strand). Cytogenetic location: 12p12.1.
Variant type: single nucleotide variant.
Coding change: c.169G>T on transcript NM_002907.4 (MANE Select); coding-DNA position 169, G replaced by T.
Protein change: p.Ala57Ser; replaces alanine 57 with serine.
Molecular consequence: missense variant.
Genome position (GRCh38, 1-based): chr12:21,491,564, C>A on the plus strand (G>T on the coding strand, the complement: RECQL is on the minus strand). VCF-style: chr12-21491564-C-A. GRCh37 (hg19) VCF-style: chr12-21644498-C-A.
Other names: c.169G>T, p.Ala57Ser (NM_032941.3); short protein forms A57S.
Identifiers: ClinVar variation 5028067 (VCV005028067.1).
Genomic context (GRCh38, chr12:21,491,564, plus strand): 5'-AAAAAAAAAGTTAACCTTCTTTATTCCAAGCGGCAGGTGAAGAATCATATTCATTGCTTG[C>A]CCCGGCATCAGAATCCTCTAAACACTGCTTTATTTTCTTTGTCAGGACTTTTTTTTTCTG-3'
Protein context (NP_002898.2, residues 47-67): KQCLEDSDAG[Ala57Ser]SNEYDSSPAA

ClinVar aggregate classification (germline): Uncertain significance (1 of 4 stars; one submission).

Submission:

Ambry Genetics
Classification: Uncertain significance. Last evaluated: 2026-09-14. Review status: criteria provided, single submitter. Criteria: Ambry Variant Classification Scheme 2023. Collection method: clinical testing. Allele origin: germline.
Comment: The p.A57S variant (also known as c.169G>T), located in coding exon 2 of the RECQL gene, results from a G to T substitution at nucleotide position 169. The alanine at codon 57 is replaced by serine, an amino acid with similar properties. This amino acid position is conserved. In addition, this alteration is predicted to be tolerated by in silico analysis. Based on the available evidence, the clinical significance of this variant remains unclear.